The following is an entry in ClinVar:

NM_181882.3(PRX):c.121G>A (p.Gly41Arg)

Genes: PRX (periaxin; minus strand), LOC130064454 (ATAC-STARR-seq lymphoblastoid active region 14650; plus strand). Cytogenetic location: 19q13.2.
Variant type: single nucleotide variant.
Coding change: c.121G>A on transcript NM_181882.3 (MANE Select); coding-DNA position 121, G replaced by A.
Protein change: p.Gly41Arg; replaces glycine 41 with arginine.
Molecular consequence: missense variant.
Genome position (GRCh38, 1-based): chr19:40,403,769, C>T on the plus strand (G>A on the coding strand, the complement: PRX is on the minus strand). VCF-style: chr19-40403769-C-T. GRCh37 (hg19) VCF-style: chr19-40909676-C-T.
Other names: c.121G>A, p.Gly41Arg (NM_020956.2); short protein forms G41R.
Identifiers: ClinVar variation 246547 (VCV000246547.2), dbSNP rs879254307, ClinGen allele CA10584613.

ClinVar aggregate classification (germline): Uncertain significance (1 of 4 stars; one submission).

Allele frequency attached by ClinVar (database versions not stated): gnomAD exomes below 0.00001 and 0.00001.

Submission:

GeneDx
Classification: Uncertain significance. Last evaluated: 2016-04-12. Review status: criteria provided, single submitter. Criteria: GeneDx Variant Classification (06012015). Collection method: clinical testing. Allele origin: germline. Affected: yes.
Comment: The G41R variant has not been published as a pathogenic variant, nor has it been reported as a benign variant to our knowledge. It was not observed in approximately 6,500 individuals of European and African American ancestry in the NHLBI Exome Sequencing Project, indicating it is not a common benign variant in these populations. The G41R variant is a non-conservative amino acid substitution, which is likely to impact secondary protein structure as these residues differ in polarity, charge, size and/or other properties. This substitution occurs at a position that is conserved across species. In silico analysis predicts this variant is probably damaging to the protein structure/function. However, missense variants in nearby residues have been not reported in the Human Gene Mutation Database in association with PRX-related disorders (Stenson et al., 2014). Therefore, based on the currently available information, it is unclear whether this variant is a pathogenic variant or a rare benign variant.